The following is an entry in ClinVar:

NM_015046.7(SETX):c.5579C>T (p.Ser1860Phe)

Gene: SETX (senataxin; minus strand). Cytogenetic location: 9q34.13.
Variant type: single nucleotide variant.
Coding change: c.5579C>T on transcript NM_015046.7 (MANE Select); coding-DNA position 5579, C replaced by T.
Protein change: p.Ser1860Phe; replaces serine 1860 with phenylalanine.
Molecular consequence: missense variant.
Genome position (GRCh38, 1-based): chr9:132,298,282, G>A on the plus strand (C>T on the coding strand, the complement: SETX is on the minus strand). VCF-style: chr9-132298282-G-A. GRCh37 (hg19) VCF-style: chr9-135173669-G-A.
Other names: c.5579C>T, p.Ser1860Phe (NM_001351527.2, NM_001351528.2); short protein forms S1860F.
Identifiers: ClinVar variation 1748401 (VCV001748401.2), dbSNP rs778318817, ClinGen allele CA5296942.

ClinVar aggregate classification (germline): Uncertain significance (1 of 4 stars; one submission).

Conditions:
Inborn genetic diseases. Identifiers: MedGen C0950123, MeSH D030342.

Allele frequency attached by ClinVar (database versions not stated): gnomAD 0.00001; gnomAD exomes 0.00001; TOPMed 0.00001; ExAC 0.00002.

Submission:

Ambry Genetics
Classification: Uncertain significance for Inborn genetic diseases. Last evaluated: 2020-10-22. Review status: criteria provided, single submitter. Criteria: Ambry Variant Classification Scheme 2023. Collection method: clinical testing. Allele origin: germline.
Comment: The p.S1860F variant (also known as c.5579C>T), located in coding exon 11 of the SETX gene, results from a C to T substitution at nucleotide position 5579. The serine at codon 1860 is replaced by phenylalanine, an amino acid with highly dissimilar properties. This amino acid position is not well conserved in available vertebrate species. In addition, the in silico prediction for this alteration is inconclusive. Since supporting evidence is limited at this time, the clinical significance of this alteration remains unclear.